The following is an entry in ClinVar:

NM_000245.4(MET):c.1636G>C (p.Val546Leu)

Gene: MET (MET proto-oncogene, receptor tyrosine kinase; plus strand). Cytogenetic location: 7q31.2.
Variant type: single nucleotide variant.
Coding change: c.1636G>C on transcript NM_000245.4 (MANE Select); coding-DNA position 1636, G replaced by C.
Protein change: p.Val546Leu; replaces valine 546 with leucine.
Molecular consequence: missense variant.
Genome position (GRCh38, 1-based): chr7:116,740,960, G>C. VCF-style: chr7-116740960-G-C. GRCh37 (hg19) VCF-style: chr7-116381014-G-C.
Other names: c.1636G>C, p.Val546Leu (NM_001127500.3, NM_001324401.3); c.346G>C, p.Val116Leu (NM_001324402.2); short protein forms V116L, V546L.
Identifiers: ClinVar variation 2911184 (VCV002911184.3), dbSNP rs774462373, ClinGen allele CA368975602.

ClinVar aggregate classification (germline): Uncertain significance (1 of 4 stars; one submission).

Conditions:
Renal cell carcinoma. Identifiers: Orphanet 217071, MedGen C0007134, MeSH D002292, MONDO:0005086, HP:0005584.

gnomAD v4.1: 1 of 1,614,046 alleles (0.000062%); no homozygotes.

Submission:

Labcorp Genetics (formerly Invitae), Labcorp
Classification: Uncertain significance for Renal cell carcinoma. Last evaluated: 2022-12-23. Review status: criteria provided, single submitter. Criteria: Invitae Variant Classification Sherloc (09022015). Collection method: clinical testing. Allele origin: germline.
Comment: In summary, the available evidence is currently insufficient to determine the role of this variant in disease. Therefore, it has been classified as a Variant of Uncertain Significance. Advanced modeling of protein sequence and biophysical properties (such as structural, functional, and spatial information, amino acid conservation, physicochemical variation, residue mobility, and thermodynamic stability) performed at Invitae indicates that this missense variant is not expected to disrupt MET protein function. This variant has not been reported in the literature in individuals affected with MET-related conditions. This variant is present in population databases (no rsID available, gnomAD 0.01%). This sequence change replaces valine, which is neutral and non-polar, with leucine, which is neutral and non-polar, at codon 546 of the MET protein (p.Val546Leu).